The following is an entry in ClinVar:

NM_005559.4(LAMA1):c.268A>G (p.Asn90Asp)

Gene: LAMA1 (laminin subunit alpha 1; minus strand). Cytogenetic location: 18p11.31.
Variant type: single nucleotide variant.
Coding change: c.268A>G on transcript NM_005559.4 (MANE Select); coding-DNA position 268, A replaced by G.
Protein change: p.Asn90Asp; replaces asparagine 90 with aspartic acid.
Molecular consequence: missense variant.
Genome position (GRCh38, 1-based): chr18:7,080,052, T>C on the plus strand (A>G on the coding strand, the complement: LAMA1 is on the minus strand). VCF-style: chr18-7080052-T-C. GRCh37 (hg19) VCF-style: chr18-7080051-T-C.
Other names: short protein forms N90D.
Identifiers: ClinVar variation 5002984 (VCV005002984.1).
Genomic context (GRCh38, chr18:7,080,052, plus strand): 5'-TGATTGTGACCCAGTGATATTCTCTCCCATTCTGAATGCTGGGACTTTGCCACCAGTTAT[T>C]GGTGCCATCTATGGCATGTGATATTGGATGGCGTTCTGTTGAAAGAAAATAAAAAACATG-3'
Protein context (NP_005550.2, residues 80-100): HPISHAIDGT[Asn90Asp]NWWQSPSIQN

ClinVar aggregate classification (germline): Uncertain significance (1 of 4 stars; one submission).

Conditions:
Ataxia - intellectual disability - oculomotor apraxia - cerebellar cysts syndrome. Also called: Poretti-Boltshauser syndrome. Identifiers: Orphanet 370022, MedGen C4014821, MONDO:0014419, OMIM 615960.

Submission:

OLLIN Analises Genomicas, OLLIN
Classification: Uncertain significance for Ataxia - intellectual disability - oculomotor apraxia - cerebellar cysts syndrome. Last evaluated: 2026-08-06. Review status: criteria provided, single submitter. Criteria: ACMG Guidelines 2015 PMID 25741868. Collection method: clinical testing. Allele origin: germline.
Comment: This missense variant, located in exon 3 (of 63), is absent from gnomAD and ClinVar and has not been identified in the literature. In silico analysis is inconclusive regarding the impact of this variant. This gene has high tolerance to missense variation. According to the currently available evidence, this variant has been classified as uncertain significance (PM2_P, BP1).